The following is an entry in ClinVar:

NM_014698.3(TMEM63A):c.133dup (p.Val45fs)

Gene: TMEM63A (transmembrane protein 63A; minus strand). Cytogenetic location: 1q42.12.
Variant type: Duplication.
Coding change: c.133dup on transcript NM_014698.3 (MANE Select); coding-DNA position 133, one base duplicated (G; older notation c.133dupG).
Protein change: p.Val45fs; shifts the reading frame from valine 45.
Molecular consequence: frameshift variant.
Genome position (GRCh38, 1-based): chr1:225,877,448, C duplicated on the plus strand (G on the coding strand, the reverse complement: TMEM63A is on the minus strand); the first of 5 consecutive C bases (chr1:225,877,448-225,877,452); duplicating any one gives the same sequence. VCF-style (leftmost placement, unchanged base first): chr1-225877447-A-AC. GRCh37 (hg19) VCF-style: chr1-226065147-A-AC.
Other names: short protein forms V45fs.
Identifiers: ClinVar variation 2429246 (VCV002429246.3), dbSNP rs761344226, ClinGen allele CA1419691.

ClinVar aggregate classification (germline): Uncertain significance (1 of 4 stars; one submission).

Submission:

Women's Health and Genetics/Laboratory Corporation of America, LabCorp
Classification: Uncertain significance. Last evaluated: 2023-01-21. Review status: criteria provided, single submitter. Criteria: LabCorp Variant Classification Summary - May 2015. Collection method: clinical testing. Allele origin: germline.
Comment: Variant summary: TMEM63A c.133dupG (p.Val45GlyfsX64) results in a premature termination codon and is predicted to cause a truncation of the encoded protein or absence of the protein due to nonsense mediated decay. This does not allow for predictions about the pathogenicity of this variant as there is not enough evidence to establish if loss-of-Function in TMEM63A cause disease. The variant allele was found at a frequency of 4e-06 in 251228 control chromosomes (gnomAD). The available data on variant occurrences in the general population are insufficient to allow any conclusion about variant significance. To our knowledge, no occurrence of c.133dupG in individuals affected with Leukodystrophy, Hypomyelinating, 19, Transient Infantile and no experimental evidence demonstrating its impact on protein function have been reported. No clinical diagnostic laboratories have submitted clinical-significance assessments for this variant to ClinVar after 2014. Based on the evidence outlined above, the variant was classified as uncertain significance.